The following is an entry in ClinVar:

NM_001845.6(COL4A1):c.1952_1954del (p.Glu651del)

Gene: COL4A1 (collagen type IV alpha 1 chain; minus strand). Cytogenetic location: 13q34.
Variant type: Deletion.
Coding change: c.1952_1954del on transcript NM_001845.6 (MANE Select); coding-DNA positions 1952 to 1954, 3 bases deleted (AAG; older notation c.1952_1954delAAG).
Protein change: p.Glu651del; deletes glutamic acid 651.
Molecular consequence: inframe deletion.
Genome position (GRCh38, 1-based): chr13:110,183,220-110,183,222, CTT deleted on the plus strand (AAG on the coding strand, the reverse complement: COL4A1 is on the minus strand); deleting any 3 consecutive bases within chr13:110,183,220-110,183,224 gives the same sequence; the c. name uses the placement nearest the transcript's 3' end. VCF-style (leftmost placement, unchanged base first): chr13-110183219-CCTT-C. GRCh37 (hg19) VCF-style: chr13-110835566-CCTT-C.
Other names: c.1952_1954del (NM_001845.4); short protein forms E651del.
Identifiers: ClinVar variation 2884405 (VCV002884405.6), dbSNP rs751234195, ClinGen allele CA7047774.

ClinVar aggregate classification (germline): Conflicting classifications of pathogenicity. Review status: criteria provided, conflicting classifications (1 of 4 stars). 4 submissions from 4 submitters: Likely pathogenic (1); Uncertain significance (3). Last evaluated 2025-11-26.

Submissions (4):

Greenwood Genetic Center Diagnostic Laboratories, Greenwood Genetic Center
Classification: Uncertain significance. Last evaluated: 2025-11-26. Review status: criteria provided, single submitter. Criteria: ACMG Guidelines, 2015. Collection method: clinical testing. Allele origin: germline. Affected: yes.
Comment: PM4, BS1

Labcorp Genetics (formerly Invitae), Labcorp
Classification: Likely pathogenic. Last evaluated: 2025-11-22. Review status: criteria provided, single submitter. Criteria: Invitae Variant Classification Sherloc (09022015). Collection method: clinical testing. Allele origin: germline.
Comment: This variant, c.1952_1954del, results in the deletion of 1 amino acid(s) of the COL4A1 protein (p.Glu651del), but otherwise preserves the integrity of the reading frame. This variant is present in population databases (rs751234195, gnomAD 0.01%). This variant has not been reported in the literature in individuals affected with COL4A1-related conditions. ClinVar contains an entry for this variant (Variation ID: 2884405). This variant disrupts the triple helix domain of COL4A1. Glycine residues within the Gly-Xaa-Yaa repeats of the triple helix domain are required for the structure and stability of fibrillar collagens (PMID: 7695699, 8218237, 19344236). In COL4A1 variants affecting these glycine residues are significantly enriched in individuals with disease (PMID: 9016532, 17078022) compared to the general population (ExAC). In summary, the currently available evidence indicates that the variant is pathogenic, but additional data are needed to prove that conclusively. Therefore, this variant has been classified as Likely Pathogenic.

Revvity Omics, Revvity
Classification: Uncertain significance. Last evaluated: 2024-09-04. Review status: criteria provided, single submitter. Criteria: ACMG Guidelines, 2015. Collection method: clinical testing. Allele origin: germline.

GeneDx
Classification: Uncertain significance. Last evaluated: 2023-12-14. Review status: criteria provided, single submitter. Criteria: GeneDx Variant Classification Process June 2021. Collection method: clinical testing. Allele origin: germline. Affected: yes.
Comment: Has not been previously published as pathogenic or benign to our knowledge; In-frame deletion of 1 amino acids in a non-repeat region; In silico analysis supports a deleterious effect on protein structure/function

Literature cited by the submitters: PubMed 7695699 (cited by Labcorp Genetics (formerly Invitae), Labcorp); PubMed 8218237 (cited by Labcorp Genetics (formerly Invitae), Labcorp); PubMed 19344236 (cited by Labcorp Genetics (formerly Invitae), Labcorp); PubMed 9016532 (cited by Labcorp Genetics (formerly Invitae), Labcorp); PubMed 17078022 (cited by Labcorp Genetics (formerly Invitae), Labcorp).